The following is an entry in ClinVar:

ClinVar aggregate classification (germline): Likely pathogenic (1 of 4 stars; one submission).

Conditions:
ATM-related disorder. Also called: ATM-related disorders; ATM-related condition.

Submission:

PreventionGenetics, part of Exact Sciences
Classification: Likely pathogenic for ATM-related condition. Last evaluated: 2026-01-22. Review status: criteria provided, single submitter. Criteria: ACMG Guidelines, 2015. Collection method: clinical testing. Allele origin: germline.
Comment: The ATM c.2275dupA variant is predicted to result in a frameshift and premature protein termination (p.Ser759Lysfs*6). To our knowledge, this variant has not been reported in the literature or in a large population database (gnomAD), indicating this variant is rare. Frameshift variants in ATM are expected to be pathogenic. This variant is interpreted as likely pathogenic.

NM_000051.4(ATM):c.2275dup (p.Ser759fs)

Gene: ATM (ATM serine/threonine kinase; plus strand). Cytogenetic location: 11q22.3.
Variant type: Duplication.
Coding change: c.2275dup on transcript NM_000051.4 (MANE Select); coding-DNA position 2275, one base duplicated (A; older notation c.2275dupA).
Protein change: p.Ser759fs; shifts the reading frame from serine 759.
Molecular consequence: frameshift variant.
Genome position (GRCh38, 1-based): chr11:108,257,505, A duplicated; the last of 3 consecutive A bases (chr11:108,257,503-108,257,505); duplicating any one gives the same sequence. VCF-style (leftmost placement, unchanged base first): chr11-108257502-G-GA. GRCh37 (hg19) VCF-style: chr11-108128229-G-GA.
Other names: c.2275dup, p.Ser759fs (NM_001351834.2); c.2275dupA (NM_000051.3); short protein forms S759fs.
Identifiers: ClinVar variation 4982150 (VCV004982150.1).